The following is an entry in ClinVar:

NM_005228.5(EGFR):c.92G>T (p.Cys31Phe)

Gene: EGFR (epidermal growth factor receptor; plus strand). Cytogenetic location: 7p11.2.
Variant type: single nucleotide variant.
Coding change: c.92G>T on transcript NM_005228.5 (MANE Select); coding-DNA position 92, G replaced by T.
Protein change: p.Cys31Phe; replaces cysteine 31 with phenylalanine.
Molecular consequence: missense variant. On other transcripts: 5 prime UTR variant (1), intron variant (1).
Genome position (GRCh38, 1-based): chr7:55,142,289, G>T. VCF-style: chr7-55142289-G-T. GRCh37 (hg19) VCF-style: chr7-55209982-G-T.
Other names: c.92G>T, p.Cys31Phe (NM_001346897.2, NM_001346898.2, NM_001346899.2 and 3 more transcripts); c.-68G>T (NM_001346900.2); c.89-13541G>T (NM_001346941.2); short protein forms C31F.
Identifiers: ClinVar variation 4729996 (VCV004729996.1).
Genomic context (GRCh38, chr7:55,142,289, plus strand): 5'-ATTTTAGTTTTTCTGCATTTCTCAGTATTTCATGTGATATCTGTCTTTTTCTTCCAGTTT[G>T]CCAAGGCACGAGTAACAAGCTCACGCAGTTGGGCACTTTTGAAGATCATTTTCTCAGCCT-3'
Protein context (NP_005219.2, residues 21-41): ASRALEEKKV[Cys31Phe]QGTSNKLTQL

ClinVar aggregate classification (germline): Uncertain significance (1 of 4 stars; one submission).

Conditions:
EGFR-related lung cancer (EGFR). Identifiers: MedGen CN130014.

Submission:

Labcorp Genetics (formerly Invitae), Labcorp
Classification: Uncertain significance for EGFR-related lung cancer. Last evaluated: 2025-10-27. Review status: criteria provided, single submitter. Criteria: Invitae Variant Classification Sherloc (09022015). Collection method: clinical testing. Allele origin: germline.
Comment: This sequence change replaces cysteine, which is neutral and slightly polar, with phenylalanine, which is neutral and non-polar, at codon 31 of the EGFR protein (p.Cys31Phe). This variant is not present in population databases (gnomAD no frequency). This variant has not been reported in the literature in individuals affected with EGFR-related conditions. An algorithm developed to predict the effect of missense changes on protein structure and function (PolyPhen-2) suggests that this variant is likely to be disruptive. In summary, the available evidence is currently insufficient to determine the role of this variant in disease. Therefore, it has been classified as a Variant of Uncertain Significance.